The following is an entry in ClinVar:

NM_001046.3(SLC12A2):c.3166G>T (p.Val1056Leu)

Gene: SLC12A2 (solute carrier family 12 member 2; plus strand). Cytogenetic location: 5q23.3.
Variant type: single nucleotide variant.
Coding change: c.3166G>T on transcript NM_001046.3 (MANE Select); coding-DNA position 3166, G replaced by T.
Protein change: p.Val1056Leu; replaces valine 1056 with leucine.
Molecular consequence: missense variant. On other transcripts: non-coding transcript variant (1).
Genome position (GRCh38, 1-based): chr5:128,180,948, G>T. VCF-style: chr5-128180948-G-T. GRCh37 (hg19) VCF-style: chr5-127516640-G-T.
Other names: c.3118G>T, p.Val1040Leu (NM_001256461.2); short protein forms V1040L, V1056L.
Identifiers: ClinVar variation 2629132 (VCV002629132.2), dbSNP rs935708301, ClinGen allele CA126976517.

ClinVar aggregate classification (germline): Uncertain significance (1 of 4 stars; one submission).

Conditions:
SLC12A2-related disorder. Also called: SLC12A2-related disorders; SLC12A2-related condition.

Allele frequency attached by ClinVar (database versions not stated): TOPMed 0.00003; gnomAD 0.00004.
gnomAD v4.1: 6 of 1,612,592 alleles (0.00037%); highest among the groups gnomAD compares: African/African-American, 0.008%; no homozygotes.

Submission:

PreventionGenetics, part of Exact Sciences
Classification: Uncertain significance for SLC12A2-related condition. Last evaluated: 2024-12-03. Review status: criteria provided, single submitter. Criteria: ACMG Guidelines, 2015. Collection method: clinical testing. Allele origin: germline.
Comment: The SLC12A2 c.3166G>T variant is predicted to result in the amino acid substitution p.Val1056Leu. To our knowledge, this variant has not been reported in the literature or in a large population database (gnomAD), indicating this variant is rare. At this time, the clinical significance of this variant is uncertain due to the absence of conclusive functional and genetic evidence.